The following is an entry in ClinVar:

NM_139058.3(ARX):c.197G>C (p.Gly66Ala)

Gene: ARX (aristaless related homeobox; minus strand). Cytogenetic location: Xp21.3.
Variant type: single nucleotide variant.
Coding change: c.197G>C on transcript NM_139058.3 (MANE Select); coding-DNA position 197, G replaced by C.
Protein change: p.Gly66Ala; replaces glycine 66 with alanine.
Molecular consequence: missense variant.
Genome position (GRCh38, 1-based): chrX:25,013,798, C>G on the plus strand (G>C on the coding strand, the complement: ARX is on the minus strand). VCF-style: chrX-25013798-C-G. GRCh37 (hg19) VCF-style: chrX-25031915-C-G.
Other names: short protein forms G66A.
Identifiers: ClinVar variation 2949203 (VCV002949203.3), dbSNP rs2519107939, ClinGen allele CA412613676.

ClinVar aggregate classification (germline): Uncertain significance (1 of 4 stars; one submission).

Conditions:
Developmental and epileptic encephalopathy, 1 (DEE1). Also called: X-linked infantile spasms; West's syndrome; Tonic spasms with clustering, arrest of psychomotor development and hypsarrhythmia on EEG; X-Linked Infantile Spasm Syndrome; OHTAHARA SYNDROME, X-LINKED; Epileptic encephalopathy, early infantile, 1. Identifiers: MedGen C3463992, MONDO:0010632, OMIM 308350. Disease mechanism: loss of function.
Intellectual disability, X-linked, with or without seizures, ARX-related. Also called: INTELLECTUAL DEVELOPMENTAL DISORDER, X-LINKED 29; Mental retardation, X-linked 52; MENTAL RETARDATION, X-LINKED 29; MENTAL RETARDATION, X-LINKED 32; MENTAL RETARDATION, X-LINKED 33; MENTAL RETARDATION, X-LINKED 38. Identifiers: Orphanet 777, MedGen C0796244, MONDO:0010317, OMIM 300419.

Submission:

Labcorp Genetics (formerly Invitae), Labcorp
Classification: Uncertain significance for Developmental and epileptic encephalopathy, 1; Intellectual disability, X-linked, with or without seizures, ARX-related. Last evaluated: 2023-06-23. Review status: criteria provided, single submitter. Criteria: Invitae Variant Classification Sherloc (09022015). Collection method: clinical testing. Allele origin: germline.
Comment: In summary, the available evidence is currently insufficient to determine the role of this variant in disease. Therefore, it has been classified as a Variant of Uncertain Significance. This sequence change replaces glycine, which is neutral and non-polar, with alanine, which is neutral and non-polar, at codon 66 of the ARX protein (p.Gly66Ala). The frequency data for this variant in the population databases is considered unreliable, as metrics indicate insufficient coverage at this position in the gnomAD database. This variant has not been reported in the literature in individuals affected with ARX-related conditions. Experimental studies and prediction algorithms are not available or were not evaluated, and the functional significance of this variant is currently unknown.